The following is an entry in ClinVar:

ClinVar aggregate classification (germline): Pathogenic (1 of 4 stars; one submission).

Submission:

GeneDx
Classification: Pathogenic. Last evaluated: 2025-05-08. Review status: criteria provided, single submitter. Criteria: GeneDx Variant Classification Process June 2021. Collection method: clinical testing. Allele origin: germline. Affected: yes.
Comment: Not observed at significant frequency in large population cohorts (gnomAD); In silico analysis supports that this missense variant has a deleterious effect on protein structure/function; A different missense change at this residue, p.(G123S), has been reported as pathogenic at GeneDx in association with CSNK2B-related disorder; Has not been previously published as pathogenic or benign to our knowledge

NM_001320.7(CSNK2B):c.368G>A (p.Gly123Asp)

Gene: CSNK2B (casein kinase 2 beta; plus strand). Cytogenetic location: 6p21.33.
Variant type: single nucleotide variant.
Coding change: c.368G>A on transcript NM_001320.7 (MANE Select); coding-DNA position 368, G replaced by A.
Protein change: p.Gly123Asp; replaces glycine 123 with aspartic acid.
Molecular consequence: missense variant. On other transcripts: intron variant (1).
Genome position (GRCh38, 1-based): chr6:31,669,319, G>A. VCF-style: chr6-31669319-G-A. GRCh37 (hg19) VCF-style: chr6-31637096-G-A.
Other names: c.368-9G>A (NM_001282385.2); short protein forms G123D.
Identifiers: ClinVar variation 2579310 (VCV002579310.2), dbSNP rs2536967534, ClinGen allele CA363475616.